The following is an entry in ClinVar:

ClinVar aggregate classification (germline): Pathogenic (1 of 4 stars; one submission).

Conditions:
Hereditary cancer-predisposing syndrome. Also called: Neoplastic Syndromes, Hereditary; Tumor predisposition; Hereditary neoplastic syndrome; Hereditary Cancer Syndrome. Identifiers: Orphanet 140162, MedGen C0027672, MeSH D009386, MONDO:0015356.
Cardiovascular phenotype. Identifiers: MedGen CN230736.

Submission:

Ambry Genetics
Classification: Pathogenic for Cardiovascular phenotype; Hereditary cancer-predisposing syndrome. Last evaluated: 2023-08-17. Review status: criteria provided, single submitter. Criteria: Ambry Variant Classification Scheme 2023. Collection method: clinical testing. Allele origin: germline.
Comment: The c.454_458delCTCTT pathogenic mutation, located in coding exon 5 of the LZTR1 gene, results from a deletion of 5 nucleotides at nucleotide positions 454 to 458, causing a translational frameshift with a predicted alternate stop codon (p.L152*). This variant is considered to be rare based on population cohorts in the Genome Aggregation Database (gnomAD). This alteration is expected to result in loss of function by premature protein truncation or nonsense-mediated mRNA decay. Loss-of-function variants in LZTR1 are related to an increased risk for schwannomas and autosomal recessive Noonan syndrome; however, such associations with autosomal dominant Noonan syndrome have not been observed (Piotrowski A et al. Nat Genet. 2014 Feb;46:182-7; Yamamoto GL et al. J Med Genet. 2015 Jun;52:413-21; Johnston JJ et al. Genet Med. 2018 10;20:1175-1185). Based on the supporting evidence, this variant is pathogenic for an increased risk of LZTR1-related schwannomatosis (SWN) and would be expected to cause autosomal recessive Noonan syndrome when present along with a second pathogenic or likely pathogenic variant on the other allele; however, the association of this alteration with autosomal dominant Noonan syndrome is unlikely.

NM_006767.4(LZTR1):c.454_458del (p.Asp151_Leu152insTer)

Gene: LZTR1 (leucine zipper like post translational regulator 1; plus strand). Cytogenetic location: 22q11.21.
Variant type: Deletion.
Coding change: c.454_458del on transcript NM_006767.4 (MANE Select); coding-DNA positions 454 to 458, 5 bases deleted (CTCTT; older notation c.454_458delCTCTT).
Protein change: p.Asp151_Leu152insTer.
Molecular consequence: nonsense.
Genome position (GRCh38, 1-based): chr22:20,988,063-20,988,067, CTCTT deleted. VCF-style (leftmost placement, unchanged base first): chr22-20988062-CCTCTT-C. GRCh37 (hg19) VCF-style: chr22-21342351-CCTCTT-C.
Identifiers: ClinVar variation 3238293 (VCV003238293.1), dbSNP rs2518613293.